The following is an entry in ClinVar:

ClinVar aggregate classification (germline): Uncertain significance. Review status: criteria provided, multiple submitters, no conflicts (2 of 4 stars). 2 submissions from 2 submitters: Uncertain significance (2). Last evaluated 2022-09-18.

Submissions (2):

Labcorp Genetics (formerly Invitae), Labcorp
Classification: Uncertain significance. Last evaluated: 2022-09-18. Review status: criteria provided, single submitter. Criteria: Invitae Variant Classification Sherloc (09022015). Collection method: clinical testing. Allele origin: germline.
Comment: This sequence change replaces serine, which is neutral and polar, with arginine, which is basic and polar, at codon 225 of the RECQL protein (p.Ser225Arg). Advanced modeling of protein sequence and biophysical properties (such as structural, functional, and spatial information, amino acid conservation, physicochemical variation, residue mobility, and thermodynamic stability) performed at Invitae indicates that this missense variant is expected to disrupt RECQL protein function. This variant has not been reported in the literature in individuals affected with RECQL-related conditions. This variant is not present in population databases (gnomAD no frequency). In summary, the available evidence is currently insufficient to determine the role of this variant in disease. Therefore, it has been classified as a Variant of Uncertain Significance.

Ambry Genetics
Classification: Uncertain significance. Last evaluated: 2022-05-06. Review status: criteria provided, single submitter. Criteria: Ambry Variant Classification Scheme 2023. Collection method: clinical testing. Allele origin: germline.
Comment: The p.S225R variant (also known as c.673A>C), located in coding exon 5 of the RECQL gene, results from an A to C substitution at nucleotide position 673. The serine at codon 225 is replaced by arginine, an amino acid with dissimilar properties. This amino acid position is conserved. In addition, this alteration is predicted to be deleterious by in silico analysis. Since supporting evidence is limited at this time, the clinical significance of this alteration remains unclear.

NM_002907.4(RECQL):c.673A>C (p.Ser225Arg)

Gene: RECQL (RecQ like helicase; minus strand). Cytogenetic location: 12p12.1.
Variant type: single nucleotide variant.
Coding change: c.673A>C on transcript NM_002907.4 (MANE Select); coding-DNA position 673, A replaced by C.
Protein change: p.Ser225Arg; replaces serine 225 with arginine.
Molecular consequence: missense variant.
Genome position (GRCh38, 1-based): chr12:21,483,403, T>G on the plus strand (A>C on the coding strand, the complement: RECQL is on the minus strand). VCF-style: chr12-21483403-T-G. GRCh37 (hg19) VCF-style: chr12-21636337-T-G.
Other names: c.673A>C, p.Ser225Arg (NM_032941.3); short protein forms S225R.
Identifiers: ClinVar variation 1755174 (VCV001755174.7), dbSNP rs2540374405, ClinGen allele CA384126759.
Genomic context (GRCh38, chr12:21,483,403, plus strand): 5'-CATCAAAAAGTTTTCTAGATAAAACATACATACCAGGTCTGAAATCATGTCCCCACTGAC[T>G]ACAGCAGTGAACTTCATCCACAGCAATTCGAGTAAATCTCCTTGCTTCATAGGCTTTCTC-3'
Protein context (NP_002898.2, residues 215-235): RIAVDEVHCC[Ser225Arg]QWGHDFRPDY